The following is an entry in ClinVar:

ClinVar aggregate classification (germline): Uncertain significance (1 of 4 stars; one submission).

Conditions:
POLD1-related polyposis and colorectal cancer syndrome (CRCS10). Also called: Colorectal cancer 10; Colorectal cancer, susceptibility to, 10; COLORECTAL CANCER, SUSCEPTIBILITY TO, ON CHROMOSOME 19q. Identifiers: Orphanet 220460, MedGen C2675481, MONDO:0012953, OMIM 612591.

Submission:

Labcorp Genetics (formerly Invitae), Labcorp
Classification: Uncertain significance for POLD1-related polyposis and colorectal cancer syndrome. Last evaluated: 2022-11-30. Review status: criteria provided, single submitter. Criteria: Invitae Variant Classification Sherloc (09022015). Collection method: clinical testing. Allele origin: germline.
Comment: This sequence change replaces glycine, which is neutral and non-polar, with serine, which is neutral and polar, at codon 8 of the POLD1 protein (p.Gly8Ser). This variant has not been reported in the literature in individuals affected with POLD1-related conditions. This variant is not present in population databases (gnomAD no frequency). In summary, the available evidence is currently insufficient to determine the role of this variant in disease. Therefore, it has been classified as a Variant of Uncertain Significance. Algorithms developed to predict the effect of missense changes on protein structure and function are either unavailable or do not agree on the potential impact of this missense change (SIFT: "Tolerated"; PolyPhen-2: "Not Available"; Align-GVGD: "Class C0").

NM_002691.4(POLD1):c.22G>A (p.Gly8Ser)

Gene: POLD1 (DNA polymerase delta 1, catalytic subunit; plus strand). Cytogenetic location: 19q13.33.
Variant type: single nucleotide variant.
Coding change: c.22G>A on transcript NM_002691.4 (MANE Select); coding-DNA position 22, G replaced by A.
Protein change: p.Gly8Ser; replaces glycine 8 with serine.
Molecular consequence: missense variant. On other transcripts: non-coding transcript variant (1).
Genome position (GRCh38, 1-based): chr19:50,398,873, G>A. VCF-style: chr19-50398873-G-A. GRCh37 (hg19) VCF-style: chr19-50902130-G-A.
Other names: c.22G>A, p.Gly8Ser (NM_001256849.1, NM_001308632.1); short protein forms G8S.
Identifiers: ClinVar variation 2817586 (VCV002817586.3), dbSNP rs1187406181, ClinGen allele CA406969990.